The following is an entry in ClinVar:

ClinVar aggregate classification (germline): Uncertain significance (1 of 4 stars; one submission).

Conditions:
PHF6-related disorder. Also called: PHF6-related condition.

Submission:

PreventionGenetics, part of Exact Sciences
Classification: Uncertain significance for PHF6-related condition. Last evaluated: 2025-09-08. Review status: criteria provided, single submitter. Criteria: ACMG Guidelines, 2015. Collection method: clinical testing. Allele origin: germline.
Comment: The PHF6 c.838T>A variant is predicted to result in the amino acid substitution p.Cys280Ser. To our knowledge, this variant has not been reported in the literature or in a large population database (gnomAD), indicating this variant is rare. This variant is located in the PHD2 protein domain, in which missense variants have been found to be enriched in affected females (Jain et al. 2023. PubMedID: 37704779). Although we suspect that this variant may be pathogenic, at this time, the clinical significance of this variant is uncertain due to the absence of conclusive functional and genetic evidence.

NM_001015877.2(PHF6):c.838T>A (p.Cys280Ser)

Gene: PHF6 (PHD finger protein 6; plus strand). Cytogenetic location: Xq26.2.
Variant type: single nucleotide variant.
Coding change: c.838T>A on transcript NM_001015877.2 (MANE Select); coding-DNA position 838, T replaced by A.
Protein change: p.Cys280Ser; replaces cysteine 280 with serine.
Molecular consequence: missense variant.
Genome position (GRCh38, 1-based): chrX:134,417,172, T>A. VCF-style: chrX-134417172-T-A. GRCh37 (hg19) VCF-style: chrX-133551202-T-A.
Other names: c.838T>A, p.Cys280Ser (NM_032458.3); short protein forms C280S.
Identifiers: ClinVar variation 5000787 (VCV005000787.1).
Genomic context (GRCh38, chrX:134,417,172, plus strand): 5'-AAATAGCTGCTGTTTTCTTGAAATACGGCTTACGATTATTTCTCTTTCCTTATACAGAAA[T>A]GTACACTTTGCAGTCAGCCTGGTGCTACTATTGGATGTGAAATAAAAGCCTGTGTTAAGA-3'
Protein context (NP_001015877.1, residues 270-290): QEIKRGKRMK[Cys280Ser]TLCSQPGATI